The following is an entry in ClinVar:

ClinVar aggregate classification (germline): Uncertain significance. Review status: criteria provided, multiple submitters, no conflicts (2 of 4 stars). 2 submissions from 2 submitters: Uncertain significance (2). Last evaluated 2024-03-29.

Conditions:
Mitochondrial complex IV deficiency, nuclear type 11. Also called: Mitochondrial complex 4 deficiency, nuclear type 11. Identifiers: MedGen C5436694, MONDO:0033645, OMIM 619054.

gnomAD v4.1: 1 of 1,594,866 alleles (0.000063%); highest among the groups gnomAD compares: Admixed American, 0.0018%; no homozygotes.

Submissions (2):

Fulgent Genetics
Classification: Uncertain significance for Mitochondrial complex IV deficiency, nuclear type 11. Last evaluated: 2024-03-29. Review status: criteria provided, single submitter. Criteria: ACMG Guidelines, 2015. Collection method: clinical testing. Allele origin: germline.

Labcorp Genetics (formerly Invitae), Labcorp
Classification: Uncertain significance. Last evaluated: 2022-02-10. Review status: criteria provided, single submitter. Criteria: Invitae Variant Classification Sherloc (09022015). Collection method: clinical testing. Allele origin: germline.
Comment: In summary, the available evidence is currently insufficient to determine the role of this variant in disease. Therefore, it has been classified as a Variant of Uncertain Significance. Algorithms developed to predict the effect of missense changes on protein structure and function are either unavailable or do not agree on the potential impact of this missense change (SIFT: "Deleterious"; PolyPhen-2: "Probably Damaging"; Align-GVGD: "Class C0"). This variant has not been reported in the literature in individuals affected with COX20-related conditions. This variant is not present in population databases (gnomAD no frequency). This sequence change replaces aspartic acid, which is acidic and polar, with histidine, which is basic and polar, at codon 107 of the COX20 protein (p.Asp107His).

NM_198076.6(COX20):c.319G>C (p.Asp107His)

Gene: COX20 (cytochrome c oxidase assembly factor COX20; plus strand). Cytogenetic location: 1q44.
Variant type: single nucleotide variant.
Coding change: c.319G>C on transcript NM_198076.6 (MANE Select); coding-DNA position 319, G replaced by C.
Protein change: p.Asp107His; replaces aspartic acid 107 with histidine.
Molecular consequence: missense variant. On other transcripts: 3 prime UTR variant (1), non-coding transcript variant (3).
Genome position (GRCh38, 1-based): chr1:244,843,138, G>C. VCF-style: chr1-244843138-G-C. GRCh37 (hg19) VCF-style: chr1-245006440-G-C.
Other names: c.319G>C, p.Asp107His (NM_001312871.1); c.355G>C, p.Asp119His (NM_001312872.1); c.184G>C, p.Asp62His (NM_001312873.1); c.*129G>C (NM_001312874.1); short protein forms D62H, D107H, D119H.
Identifiers: ClinVar variation 1909987 (VCV001909987.6), dbSNP rs373502901, ClinGen allele CA1486194.